The following is an entry in ClinVar:

ClinVar aggregate classification (germline): Pathogenic (1 of 4 stars; one submission).

Conditions:
LAMA2-related muscular dystrophy (LAMA2-RD). Also called: Laminin alpha 2-related dystrophy. Identifiers: MedGen C5679788, MONDO:0100228.

Submission:

Labcorp Genetics (formerly Invitae), Labcorp
Classification: Pathogenic for LAMA2-related muscular dystrophy. Last evaluated: 2022-08-09. Review status: criteria provided, single submitter. Criteria: Invitae Variant Classification Sherloc (09022015). Collection method: clinical testing. Allele origin: germline.
Comment: This variant results in a copy number gain of the genomic region encompassing exon(s) 30 of the LAMA2 gene. While the exact position of this variant cannot be determined from the data, sub-genic copy number gains are generally in tandem (PMID: 25640679). This variant is predicted to be out-of-frame, and may result in an absent or disrupted protein product. Loss-of-function variants in LAMA2 are known to be pathogenic (PMID: 18700894, 32904964). A similar copy number variant has been observed in individual(s) with muscular dystrophy (PMID: 31694722). For these reasons, this variant has been classified as Pathogenic.

Literature cited by the submitters: PubMed 25640679; PubMed 18700894; PubMed 32904964; PubMed 31694722.

NC_000006.11:g.(?_129663468)_(129663632_?)dup

Gene: LAMA2 (laminin subunit alpha 2; plus strand). Cytogenetic location: 6q22.33.
Variant type: Duplication.
Identifiers: ClinVar variation 2423069 (VCV002423069.4).